The following is an entry in ClinVar:

ClinVar aggregate classification (germline): Uncertain significance. Review status: criteria provided, multiple submitters, no conflicts (2 of 4 stars). 2 submissions from 2 submitters: Uncertain significance (2). Last evaluated 2024-09-25.

Conditions:
Hereditary cancer-predisposing syndrome. Also called: Hereditary neoplastic syndrome; Neoplastic Syndromes, Hereditary; Hereditary Cancer Syndrome; Tumor predisposition. Identifiers: Orphanet 140162, MedGen C0027672, MeSH D009386, MONDO:0015356.
Rhabdoid tumor predisposition syndrome 2 (RTPS2). Identifiers: Orphanet 231108, Orphanet 69077, MedGen C2750074, MONDO:0013224, OMIM 613325.

Submissions (2):

Labcorp Genetics (formerly Invitae), Labcorp
Classification: Uncertain significance for Rhabdoid tumor predisposition syndrome 2. Last evaluated: 2024-09-25. Review status: criteria provided, single submitter. Criteria: Invitae Variant Classification Sherloc (09022015). Collection method: clinical testing. Allele origin: germline.
Comment: This sequence change replaces tyrosine, which is neutral and polar, with phenylalanine, which is neutral and non-polar, at codon 64 of the SMARCA4 protein (p.Tyr64Phe). This variant is not present in population databases (gnomAD no frequency). This variant has not been reported in the literature in individuals affected with SMARCA4-related conditions. ClinVar contains an entry for this variant (Variation ID: 660591). Invitae Evidence Modeling of protein sequence and biophysical properties (such as structural, functional, and spatial information, amino acid conservation, physicochemical variation, residue mobility, and thermodynamic stability) has been performed for this missense variant. However, the output from this modeling did not meet the statistical confidence thresholds required to predict the impact of this variant on SMARCA4 protein function. In summary, the available evidence is currently insufficient to determine the role of this variant in disease. Therefore, it has been classified as a Variant of Uncertain Significance.

Ambry Genetics
Classification: Uncertain significance for Hereditary cancer-predisposing syndrome. Last evaluated: 2024-08-07. Review status: criteria provided, single submitter. Criteria: Ambry Variant Classification Scheme 2023. Collection method: clinical testing. Allele origin: germline.
Comment: The p.Y64F variant (also known as c.191A>T), located in coding exon 1 of the SMARCA4 gene, results from an A to T substitution at nucleotide position 191. The tyrosine at codon 64 is replaced by phenylalanine, an amino acid with highly similar properties. This amino acid position is conserved. In addition, the in silico prediction for this alteration is inconclusive. Based on the available evidence, the clinical significance of this variant remains unclear.

NM_003072.5(SMARCA4):c.191A>T (p.Tyr64Phe)

Gene: SMARCA4 (SWI/SNF related BAF chromatin remodeling complex subunit ATPase 4; plus strand). Cytogenetic location: 19p13.2.
Variant type: single nucleotide variant.
Coding change: c.191A>T on transcript NM_003072.5 (MANE Select); coding-DNA position 191, A replaced by T.
Protein change: p.Tyr64Phe; replaces tyrosine 64 with phenylalanine.
Molecular consequence: missense variant. On other transcripts: non-coding transcript variant (1).
Genome position (GRCh38, 1-based): chr19:10,984,342, A>T. VCF-style: chr19-10984342-A-T. GRCh37 (hg19) VCF-style: chr19-11095018-A-T.
Other names: c.191A>T, p.Tyr64Phe (NM_001128844.3, NM_001128845.2, NM_001128846.2 and 5 more transcripts); short protein forms Y64F.
Identifiers: ClinVar variation 660591 (VCV000660591.9), dbSNP rs1599930186, ClinGen allele CA404054611.